The following is an entry in ClinVar:

ClinVar aggregate classification (germline): Conflicting classifications of pathogenicity. Review status: criteria provided, conflicting classifications (1 of 4 stars). 18 submissions from 17 submitters: Pathogenic (6); Likely pathogenic (9); Uncertain significance (1). 2 of the submissions do not count toward it. Last evaluated 2026-09-14.

Conditions:
Noonan syndrome 2 (NS2). Identifiers: Orphanet 648, MedGen C1854469, MONDO:0011531, OMIM 605275.
Developmental disorder. Identifiers: MedGen C0008073.
LZTR1-related schwannomatosis. Also called: Schwannomatosis 2; Schwannomatosis-2, susceptibility to. Identifiers: Orphanet 93921, MedGen C3810283, MONDO:0014299, OMIM 615670.
Noonan syndrome 10 (NS10). Identifiers: Orphanet 648, MedGen C4225280, MONDO:0014693, OMIM 616564.
LZTR1-related disorder. Also called: LZTR1-related disorders; LZTR1-related condition.
Hereditary cancer-predisposing syndrome. Also called: Neoplastic Syndromes, Hereditary; Hereditary Cancer Syndrome; Tumor predisposition; Hereditary neoplastic syndrome. Identifiers: Orphanet 140162, MedGen C0027672, MeSH D009386, MONDO:0015356.
Cardiovascular phenotype. Identifiers: MedGen CN230736.
Schwannomatosis. Identifiers: Orphanet 93921, MedGen C1335929, MeSH C536641, MONDO:0008075.

Allele frequency attached by ClinVar (database versions not stated): ExAC 0.00004; gnomAD exomes 0.00004; TOPMed 0.00011; gnomAD 0.00016 and 0.00017.
gnomAD v4.1: 63 of 1,613,824 alleles (0.0039%); highest among the groups gnomAD compares: Admixed American, 0.038%; no homozygotes.

Submissions 1 to 7 of 18:

PreventionGenetics, part of Exact Sciences
Classification: Pathogenic for LZTR1-related condition. Last evaluated: 2026-09-14. Review status: criteria provided, single submitter. Criteria: ACMG Guidelines, 2015. Collection method: clinical testing. Allele origin: germline.
Comment: The LZTR1 c.264-13G>A variant is predicted to interfere with splicing. This variant has been reported in the heterozygous state in multiple individuals and families with LZTR1-related schwannomatosis (Supplementary Table 1 in Piotrowski et al. 2014. PubMed ID: 24362817; Supplementary Table 8 in Louvrier et al. 2018. PubMed ID: 29409008; Alaidarous et al. 2019. PubMed ID: 31438995; Deiller et al. 2019. PubMed ID: 31128261). In a retrospective review of published cases, this variant was the second most common loss-of-function LZTR1 variant reported among schwannomatosis probands (Deng et al. 2022. PubMed ID: 35391499). Functional analysis demonstrated that this variant activates a cryptic splice acceptor site resulting in the insertion of 11 intronic nucleotides, aberrant splicing, and a predicted frameshift (p.Lys89Cysfs*16) (Supplementary Figure 3 in Piotrowski et al. 2014. PubMed ID: 24362817). This variant is reported in 0.014% of alleles in individuals of Latino descent in gnomAD and is classified as pathogenic or likely pathogenic by multiple clinical laboratories in ClinVar (Variation ID: 101034). Based on the available evidence, this variant is classified as pathogenic for autosomal dominant LZTR1-related schwannomatosis. Current evidence does not support a role for this variant in autosomal dominant Noonan syndrome. Although biallelic loss-of-function variants have been reported in the context of autosomal recessive Noonan syndrome, this variant has not been documented in individuals with autosomal recessive Noonan syndrome.

GeneDx
Classification: Likely pathogenic. Last evaluated: 2026-03-18. Review status: criteria provided, single submitter. Criteria: GeneDx Variant Classification Process June 2021. Collection method: clinical testing. Allele origin: germline. Affected: yes.
Comment: Non-canonical splice site variant demonstrated to result in loss of function (PMID: 24362817); Identified in patients with schwannomatosis referred for genetic testing at GeneDx and in published literature (PMID: 24362817, 31128261, 29409008); This variant is associated with the following publications: (PMID: 24362817, 31128261, 29409008, 31438995, 34426522, 36495689, 27921248)

Labcorp Genetics (formerly Invitae), Labcorp
Classification: Pathogenic. Last evaluated: 2026-01-04. Review status: criteria provided, single submitter. Criteria: Invitae Variant Classification Sherloc (09022015). Collection method: clinical testing. Allele origin: germline.
Comment: This sequence change falls in intron 2 of the LZTR1 gene. It does not directly change the encoded amino acid sequence of the LZTR1 protein. This variant is present in population databases (rs587777176, gnomAD 0.02%). This variant has been observed in individuals with schwannomatosis (PMID: 24362817, 31128261, 31438995). It has also been observed to segregate with disease in related individuals. ClinVar contains an entry for this variant (Variation ID: 101034). Studies have shown that this variant is associated with altered splicing resulting in inclusion of intronic sequence (PMID: 24362817). For these reasons, this variant has been classified as Pathogenic.

Institute for Genomic Medicine (IGM) Clinical Laboratory, Nationwide Children's Hospital
Classification: Likely pathogenic for LZTR1-related schwannomatosis. Last evaluated: 2025-06-17. Review status: criteria provided, single submitter. Criteria: ACMG Guidelines, 2015. Collection method: clinical testing. Allele origin: germline.
Comment: Well-established functional studies have demonstrated this variant to have a damaging effect on protein function or splicing (ACMG/AMP: PS3_Moderate; PMID:24362817). This variant has been reported at an elevated frequency in affected individuals/in multiple affected individuals in the literature (ACMG/AMP: PS4; PMIDs:24362817, 29409008, 31128261, 31438995). This variant is predicted to alter protein function or structure, or disrupt splicing by multiple in silico tools (ACMG/AMP: PP3).

Victorian Clinical Genetics Services, Murdoch Childrens Research Institute
Classification: Pathogenic for Noonan syndrome 2. Last evaluated: 2024-10-08. Review status: criteria provided, single submitter. Criteria: ACMG Guidelines, 2015. Collection method: clinical testing. Allele origin: germline. Inheritance: Autosomal recessive inheritance. Affected: yes.
Comment: Based on the classification scheme VCGS_Germline_v1.3.4, this variant is classified as Pathogenic. Following criteria are met: 0102 - Loss of function is a known mechanism of disease in this gene and is associated with autosomal recessive Noonan syndrome 2 (MIM#605275). Dominant negative is the mechanism suspected for autosomal dominant Noonan syndrome 10 (MIM#616564). (I) 0108 - This gene is associated with both recessive and dominant disease. (I) 0210 - Splice site variant proven to affect splicing of the transcript with a known effect on protein sequence. RT-PCR studies have demonstrated that this variant creates a cryptic splice acceptor site, leading to the retention of 11 intronic nucleotides and creating a frameshift (p. (Lys89Cysfs*16) that is expected to undergo nonsense-mediated decay (NMD) (PMID:24362817). (SP) 0251 - This variant is heterozygous. (I) 0304 - Variant is present in gnomAD <0.01 for a recessive condition (24 heterozygotes, 0 homozygotes). (SP) 0701 - Other NMD predicted variants comparable to the one identified in this case have very strong previous evidence for pathogenicity. There are many of these variants reported as pathogenic in ClinVar. (SP) 0801 - This variant has strong previous evidence of pathogenicity in unrelated individuals. This variant has been reported eight times in ClinVar as pathogenic, once as likely pathogenic and once as a variant of unknown significance. (I) Legend: (SP) - Supporting pathogenic, (I) - Information, (SB) - Supporting benign

Women's Health and Genetics/Laboratory Corporation of America, LabCorp
Classification: Pathogenic for Schwannomatosis. Last evaluated: 2024-06-12. Review status: criteria provided, single submitter. Criteria: LabCorp Variant Classification Summary - May 2015. Collection method: clinical testing. Allele origin: germline.
Comment: Variant summary: LZTR1 c.264-13G>A alters a non-conserved nucleotide located at a position not widely known to affect splicing. Several computational tools predict a significant impact on normal splicing: One predict the variant abolishes a 3 acceptor site. Two predict the variant weakens a 3' acceptor site. Five predict the variant creates a 3' acceptor site. At least one publication reports experimental evidence that this variant affects mRNA splicing (Piotrowski_2014). The variant allele was found at a frequency of 4.4e-05 in 251194 control chromosomes. This frequency is not significantly higher than estimated for a pathogenic variant in LZTR1 related diseases. c.264-13G>A has been reported in the literature in multiple individuals affected with Schwannomatosis (Piotrowski_2014, Alaidarous_2019, Deiller_2019, Louvrier_2018). These data indicate that the variant is very likely to be associated with disease. To our knowledge, this variant has not been reported in patients with Noonan Syndrome. The following publications have been ascertained in the context of this evaluation (PMID: 24362817, 29409008, 27921248, 31438995, 31128261). ClinVar contains an entry for this variant (Variation ID: 101034). Based on the evidence outlined above, the variant was classified as pathogenic.

CeGaT Center for Human Genetics Tuebingen
Classification: Likely pathogenic. Last evaluated: 2024-04-01. Review status: criteria provided, single submitter. Criteria: CeGaT Center For Human Genetics Tuebingen Variant Classification Criteria Version 2. Collection method: clinical testing. Allele origin: germline. Affected: yes. Observed: 1 variant allele.
Comment: LZTR1: PS3:Moderate, PS4:Moderate, PM2:Supporting, PP1, PP3

NM_006767.4(LZTR1):c.264-13G>A

Gene: LZTR1 (leucine zipper like post translational regulator 1; plus strand). Cytogenetic location: 22q11.21.
Variant type: single nucleotide variant.
Coding change: c.264-13G>A on transcript NM_006767.4 (MANE Select); 13 bases into the intron before coding-DNA position 264, G replaced by A.
Molecular consequence: intron variant.
Genome position (GRCh38, 1-based): chr22:20,985,828, G>A. VCF-style: chr22-20985828-G-A. GRCh37 (hg19) VCF-style: chr22-21340117-G-A.
Other names: IVS2AS, G-A, -13.
Identifiers: ClinVar variation 101034 (VCV000101034.51), dbSNP rs587777176, ClinGen allele CA150700.
Genomic context (GRCh38, chr22:20,985,828, plus strand): 5'-TGCAGTGCCCATCTCTGGGGTCACTGCAGAGTAGACCTGGCTAATGCCACCCTCTCTTCC[G>A]GCTGCCTTTCAGGAAGACCATGCTCAATGACCTCCTGCGGTTCGATGTGAAAGACTGCTC-3'